The following is an entry in ClinVar:

NM_001144995.2(CCDC85C):c.891C>T (p.Arg297=)

Gene: CCDC85C (coiled-coil domain containing 85C; minus strand). Cytogenetic location: 14q32.2.
Variant type: single nucleotide variant.
Coding change: c.891C>T on transcript NM_001144995.2 (MANE Select); coding-DNA position 891, C replaced by T.
Protein change: p.Arg297=; no amino-acid change (arginine 297 retained).
Molecular consequence: synonymous variant.
Genome position (GRCh38, 1-based): chr14:99,522,217, G>A on the plus strand (C>T on the coding strand, the complement: CCDC85C is on the minus strand). VCF-style: chr14-99522217-G-A. GRCh37 (hg19) VCF-style: chr14-99988554-G-A.
Identifiers: ClinVar variation 2644511 (VCV002644511.24), dbSNP rs2504075333, ClinGen allele CA487868243.

ClinVar aggregate classification (germline): Likely benign (1 of 4 stars; one submission).

Submission:

CeGaT Center for Human Genetics Tuebingen
Classification: Likely benign. Last evaluated: 2023-03-01. Review status: criteria provided, single submitter. Criteria: CeGaT Center For Human Genetics Tuebingen Variant Classification Criteria Version 2. Collection method: clinical testing. Allele origin: germline. Affected: yes. Observed: 1 variant allele.
Comment: CCDC85C: PM2:Supporting, BP4, BP7